The following is an entry in ClinVar:

ClinVar aggregate classification (germline): drug response. Review status: reviewed by expert panel (3 of 4 stars). 21 submissions from 18 submitters: drug response (4). 17 of the submissions do not count toward it. Last evaluated 2021-05-24.

Conditions:
DPYD-related disorders.
DPYD-related disorder. Also called: DPYD-related condition.
Inborn genetic diseases. Identifiers: MedGen C0950123, MeSH D030342.
Dihydropyrimidine dehydrogenase deficiency (DPYDD). Also called: DPD DEFICIENCY; DPYD DEFICIENCY; Hereditary Thymine-Uraciluria. Identifiers: Orphanet 1675, MedGen C1959620, MONDO:0010130, OMIM 274270.
Fluorouracil response. Also called: 5-fluorouracil toxicity; 5-FU response; 5-fluorouracil toxicity, included. Identifiers: MedGen CN077983, MONDO:0027652.
fluorouracil response - Other.
tegafur response - Toxicity.
capecitabine response - Toxicity.
fluorouracil response - Toxicity.

Allele frequency attached by ClinVar (database versions not stated): 1000 Genomes Project 30x 0.00203; 1000 Genomes Project 0.00220; ExAC 0.00263; gnomAD exomes 0.00285 and 0.00528; gnomAD 0.00330 and 0.00334; TOPMed 0.00345; ESP Exome Variant Server 0.00392.
gnomAD v4.1: 8,139 of 1,613,660 alleles (0.5%); highest among the groups gnomAD compares: Non-Finnish European, 0.64%; 32 homozygotes.

Submissions 1 to 8 of 21:

ClinPGx
Classification: drug response for fluorouracil response - Toxicity. Last evaluated: 2021-05-24. Review status: reviewed by expert panel. Criteria: Pharmacogenomics knowledge for personalized medicine. Collection method: curation. Allele origin: germline. Affected: yes.
Comment: PharmGKB Level of Evidence 1A: Level 1A clinical annotations describe variant-drug combinations that have variant-specific prescribing guidance available in a current clinical guideline annotation or an FDA-approved drug label annotation. Annotations of drug labels or clinical guidelines must give prescribing guidance for specific variants (e.g. CYP2C9*3, HLA-B*57:01) or provide mapping from defined allele functions to diplotypes and phenotypes to be used as supporting evidence for a level 1A clinical annotation. Level 1A clinical annotations must also be supported by at least one publication in addition to a clinical guideline or drug label with variant-specific prescribing guidance.

Drug is not necessarily used to treat response condition

ClinPGx
Classification: drug response for capecitabine response - Toxicity. Last evaluated: 2021-05-24. Review status: reviewed by expert panel. Criteria: Pharmacogenomics knowledge for personalized medicine. Collection method: curation. Allele origin: germline. Affected: yes.
Comment: the same text as in the submission from ClinPGx above.

ClinPGx
Classification: drug response for fluorouracil response - Other. Last evaluated: 2021-05-24. Review status: reviewed by expert panel. Criteria: Pharmacogenomics knowledge for personalized medicine. Collection method: curation. Allele origin: germline. Affected: yes.
Comment: PharmGKB Level of Evidence 1A: Level 1A clinical annotations describe variant-drug combinations that have variant-specific prescribing guidance available in a current clinical guideline annotation or an FDA-approved drug label annotation. Annotations of drug labels or clinical guidelines must give prescribing guidance for specific variants (e.g. CYP2C9*3, HLA-B*57:01) or provide mapping from defined allele functions to diplotypes and phenotypes to be used as supporting evidence for a level 1A clinical annotation. Level 1A clinical annotations must also be supported by at least one publication in addition to a clinical guideline or drug label with variant-specific prescribing guidance.

ClinPGx
Classification: drug response for tegafur response - Toxicity. Last evaluated: 2021-05-24. Review status: reviewed by expert panel. Criteria: Pharmacogenomics knowledge for personalized medicine. Collection method: curation. Allele origin: germline. Affected: yes.
Comment: the same text as in the submission from ClinPGx above.

CeGaT Center for Human Genetics Tuebingen
Classification: Pathogenic. Last evaluated: 2026-02-01. Review status: criteria provided, single submitter. Criteria: CeGaT Center For Human Genetics Tuebingen Variant Classification Criteria Version 2. Collection method: clinical testing. Allele origin: germline. Affected: yes. Observed: 10 variant alleles. Not counted in ClinVar's aggregate classification.
Comment: DPYD: PS3:Very Strong, PM2

Victorian Clinical Genetics Services, Murdoch Childrens Research Institute
Classification: Pathogenic for Dihydropyrimidine dehydrogenase deficiency. Last evaluated: 2025-10-16. Review status: criteria provided, single submitter. Criteria: ACMG Guidelines, 2015. Collection method: clinical testing. Allele origin: germline. Affected: yes. Not counted in ClinVar's aggregate classification.
Comment: This variant is classified as Pathogenic. Evidence in support of pathogenic classification: Variant is present in gnomAD <0.01 for a recessive condition (v4: 8075 heterozygotes, 32 homozygotes); This variant has very strong previous evidence of pathogenicity in unrelated individuals. This variant has been reviewed by an expert panel in ClinVar as level 1A for several drug responses, and reported in the literature in individuals with dihydropyrimidine dehydrogenase deficiency and 5-fluorouracil toxicity (PMIDs: 11988088, 26804652, 30510603, 32595208); Moderate functional evidence supporting abnormal protein function. Functional studies show that this variant reduces enzyme activity (PMIDs: 26804652, 24648345); Missense variant consistently predicted to be damaging by multiple in silico tools or highly conserved with a major amino acid change; Heterozygous variant detected in trans with a second PATHOGENIC heterozygous variant (HGVS) in a recessive disease. Additional information: Variant is predicted to result in a missense amino acid change from aspartic acid to valine; This variant is heterozygous; This gene is known to be associated with autosomal recessive disease. However, heterozygous variants may result in a reduction in dihydropyrimidine dehydrogenase activity and 5-fluorouracil toxicity (PMIDs: 29152729, 26265346). As DPYD variants that result in reduced enzyme function place individuals at risk of fluoropyrimidine toxicity, formal pharmocogenomic studies are recommended prior to treatment with fluoropyrimidine chemotherapy (5-fluorouracil or capecitabine); Variant is located in an annotated domain or motif (4Fe-4S dicluster domain; NCBI); Loss of function is a known mechanism of disease in this gene and is associated with dihydropyrimidine dehydrogenase deficiency and 5-fluorouracil toxicity (MIM#274270); Variants in this gene are known to have variable expressivity (PMID: 11783493).

Ambry Genetics
Classification: Pathogenic for Inborn genetic diseases. Last evaluated: 2025-09-16. Review status: criteria provided, single submitter. Criteria: Ambry Variant Classification Scheme 2023. Collection method: clinical testing. Allele origin: germline. Not counted in ClinVar's aggregate classification.
Comment: The c.2846A>T (p.D949V) alteration is located in coding exon 22 of the DPYD gene. This alteration results from a A to T substitution at nucleotide position 2846, causing the aspartic acid (D) at amino acid position 949 to be replaced by a valine (V). Based on data from gnomAD, the T allele has an overall frequency of 0.289% (817/282650) total alleles studied. The highest observed frequency was 0.516% (666/129006) of European (non-Finnish) alleles. This variant has been identified in the homozygous state and/or in conjunction with other DPYD variant(s) in individual(s) with DPD enzyme deficiency (van Kuilenburg, 2002; Kuilenburg, 2016; Pallet, 2020; Coenen, 2019). Of note, in the heterozygous or compound heterozygous state, this variant is associated with fluoropyrimidine toxicity and has published dosage guidelines (Amstutz, 2018; Meulendijks, 2015). This amino acid position is highly conserved in available vertebrate species. In an assay testing DPYD function, this variant showed a functionally abnormal result (Offer, 2014; Kuilenburg, 2016). This alteration is predicted to be deleterious by in silico analysis. Based on the available evidence, this alteration is classified as pathogenic.

Variantyx, Inc.
Classification: Pathogenic for Dihydropyrimidine dehydrogenase deficiency. Last evaluated: 2025-04-09. Review status: criteria provided, single submitter. Criteria: Variantyx Assertion Criteria 2022. Collection method: clinical testing. Allele origin: germline. Inheritance: Autosomal recessive inheritance. Not counted in ClinVar's aggregate classification.
Comment: This is a nonsynonymous variant in the DPYD gene (OMIM: 612779). Pathogenic variants in this gene have been associated with autosomal recessive dihydropyrimidine dehydrogenase deficiency. Functional studies have shown that this variant alters DPYD protein function (PMID: 16115930, 24648345, 26804652) (PS3), and multiple computational algorithms predict a deleterious effect for this variant (REVEL score: 0.962) (PP3_Moderate). Other reputable laboratories have reported this variant as pathogenic or likely pathogenic, and this classification has been validated by an expert panel in ClinVar (PP5). This variant has a 0.6428% maximum allele frequency in non-founder control populations. Based on the current evidence, this variant is classified as pathogenic for autosomal recessive dihydropyrimidine dehydrogenase deficiency.

NM_000110.4(DPYD):c.2846A>T (p.Asp949Val)

Gene: DPYD (dihydropyrimidine dehydrogenase; minus strand). Cytogenetic location: 1p21.3.
Variant type: single nucleotide variant.
Coding change: c.2846A>T on transcript NM_000110.4 (MANE Select); coding-DNA position 2846, A replaced by T.
Protein change: p.Asp949Val; replaces aspartic acid 949 with valine.
Molecular consequence: missense variant.
Genome position (GRCh38, 1-based): chr1:97,082,391, T>A on the plus strand (A>T on the coding strand, the complement: DPYD is on the minus strand). VCF-style: chr1-97082391-T-A. GRCh37 (hg19) VCF-style: chr1-97547947-T-A.
Other names: short protein forms D949V.
Identifiers: ClinVar variation 88974 (VCV000088974.150), dbSNP rs67376798, ClinGen allele CA228077.
Genomic context (GRCh38, chr1:97,082,391, plus strand): 5'-TGGTAGCCAGAATCATTACAGGTCATGTAGCATTTACCACAGTTGATACACATTTCTTCA[T>A]CAATCATAGCCACAACTTGCTCTACGTTGCTCAATTCACCAAATGTTCCAAGGTACTGCA-3'
Protein context (NP_000101.2, residues 939-959): SNVEQVVAMI[Asp949Val]EEMCINCGKC